The following is an entry in ClinVar:

ClinVar aggregate classification (germline): Uncertain significance. Review status: criteria provided, single submitter (1 of 4 stars). 2 submissions from 2 submitters: Uncertain significance (1). 1 of the submissions does not count toward it. Last evaluated 2025-12-18.

Conditions:
Hyperlysinemia. Also called: Hyperlysinemias. Identifiers: Orphanet 2203, MedGen C0268553, MONDO:0009388, HP:0002161.

Allele frequency attached by ClinVar (database versions not stated): gnomAD exomes 0.00016 and 0.00023; ExAC 0.00019; gnomAD 0.00023 and 0.00024; TOPMed 0.00009; ESP Exome Variant Server 0.00015.
gnomAD v4.1: 257 of 1,613,896 alleles (0.016%); highest among the groups gnomAD compares: Non-Finnish European, 0.017%; no homozygotes.

Submissions (2):

Labcorp Genetics (formerly Invitae), Labcorp
Classification: Uncertain significance. Last evaluated: 2025-12-18. Review status: criteria provided, single submitter. Criteria: Invitae Variant Classification Sherloc (09022015). Collection method: clinical testing. Allele origin: germline.
Comment: This sequence change replaces serine, which is neutral and polar, with threonine, which is neutral and polar, at codon 773 of the AASS protein (p.Ser773Thr). This variant is present in population databases (rs147414883, gnomAD 0.1%). This variant has not been reported in the literature in individuals affected with AASS-related conditions. ClinVar contains an entry for this variant (Variation ID: 1516672). Invitae Evidence Modeling of protein sequence and biophysical properties (such as structural, functional, and spatial information, amino acid conservation, physicochemical variation, residue mobility, and thermodynamic stability) indicates that this missense variant is not expected to disrupt AASS protein function with a negative predictive value of 80%. In summary, the available evidence is currently insufficient to determine the role of this variant in disease. Therefore, it has been classified as a Variant of Uncertain Significance.

Zotz-Klimas Genetics Lab, MVZ Zotz Klimas
Classification: Uncertain significance for HYPERLYSINEMIA, TYPE I. Last evaluated: 2023-10-30. Review status: no assertion criteria provided. Collection method: clinical testing. Allele origin: germline. Affected: yes. Not counted in ClinVar's aggregate classification.

NM_005763.4(AASS):c.2317T>A (p.Ser773Thr)

Gene: AASS (aminoadipate-semialdehyde synthase; minus strand). Cytogenetic location: 7q31.32.
Variant type: single nucleotide variant.
Coding change: c.2317T>A on transcript NM_005763.4 (MANE Select); coding-DNA position 2317, T replaced by A.
Protein change: p.Ser773Thr; replaces serine 773 with threonine.
Molecular consequence: missense variant.
Genome position (GRCh38, 1-based): chr7:122,079,676, A>T on the plus strand (T>A on the coding strand, the complement: AASS is on the minus strand). VCF-style: chr7-122079676-A-T. GRCh37 (hg19) VCF-style: chr7-121719730-A-T.
Other names: c.2317T>A (NM_005763.3); short protein forms S773T.
Identifiers: ClinVar variation 1516672 (VCV001516672.6), dbSNP rs147414883, ClinGen allele CA4458057.